The following is an entry in ClinVar:

NM_182931.3(KMT2E):c.4317dup (p.His1440fs)

Gene: KMT2E (lysine methyltransferase 2E (inactive); plus strand). Cytogenetic location: 7q22.3.
Variant type: Duplication.
Coding change: c.4317dup on transcript NM_182931.3 (MANE Select); coding-DNA position 4317, one base duplicated (G; older notation c.4317dupG).
Protein change: p.His1440fs; shifts the reading frame from histidine 1440.
Molecular consequence: frameshift variant.
Genome position (GRCh38, 1-based): chr7:105,112,073, G duplicated. VCF-style (leftmost placement, unchanged base first): chr7-105112072-T-TG. GRCh37 (hg19) VCF-style: chr7-104752519-T-TG.
Other names: c.4317dup, p.His1440fs (NM_018682.4); short protein forms H1440fs.
Identifiers: ClinVar variation 1307023 (VCV001307023.2), dbSNP rs2129570182, ClinGen allele CA2573052780.

ClinVar aggregate classification (germline): Uncertain significance (1 of 4 stars; one submission).

Submission:

GeneDx
Classification: Uncertain significance. Last evaluated: 2019-07-10. Review status: criteria provided, single submitter. Criteria: GeneDx Variant Classification Process June 2021. Collection method: clinical testing. Allele origin: germline. Affected: yes.
Comment: Not observed in large population cohorts (Lek et al., 2016); Frameshift variant predicted to result in protein truncation as the last 419 amino acids are lost and replaced with 95 incorrect amino acids, although loss-of-function variants have not been reported downstream of this position in the protein; Has not been previously published as pathogenic or benign to our knowledge